The following is an entry in ClinVar:

NM_001754.5(RUNX1):c.623A>T (p.Gln208Leu)

Gene: RUNX1 (RUNX family transcription factor 1; minus strand). Cytogenetic location: 21q22.12.
Variant type: single nucleotide variant.
Coding change: c.623A>T on transcript NM_001754.5 (MANE Select); coding-DNA position 623, A replaced by T.
Protein change: p.Gln208Leu; replaces glutamine 208 with leucine.
Molecular consequence: missense variant.
Genome position (GRCh38, 1-based): chr21:34,834,592, T>A on the plus strand (A>T on the coding strand, the complement: RUNX1 is on the minus strand). VCF-style: chr21-34834592-T-A. GRCh37 (hg19) VCF-style: chr21-36206889-T-A.
Other names: NM_001754.4(RUNX1):c.623A>T; p.Gln208Leu; c.542A>T, p.Gln181Leu (NM_001001890.3, NM_001122607.2); short protein forms Q208L, Q181L.
Identifiers: ClinVar variation 463999 (VCV000463999.10), dbSNP rs777320434, ClinGen allele CA10014390.

ClinVar aggregate classification (germline): Uncertain significance. Review status: reviewed by expert panel (3 of 4 stars). 3 submissions from 3 submitters: Uncertain significance (1). 2 of the submissions do not count toward it. Last evaluated 2024-09-16.

Conditions:
Inborn genetic diseases. Identifiers: MedGen C0950123, MeSH D030342.
Hereditary thrombocytopenia and hematological cancer predisposition syndrome associated with RUNX1. Also called: PLATELET DISORDER, ASPIRIN-LIKE; Familial Platelet Disorder with Propensity to Acute Myelogenous Leukemia; Familial thrombocytopenia with propensity to acute myelogenous leukemia; RUNX1 Familial Platelet Disorder with Associated Myeloid Malignancies. Identifiers: Orphanet 71290, MedGen C1832388, MeSH C563324, MONDO:0100083, OMIM 601399.
Hereditary thrombocytopenia and hematologic cancer predisposition syndrome. Identifiers: Orphanet 71290, MedGen CN281654, MONDO:0011071.

Allele frequency attached by ClinVar (database versions not stated): TOPMed below 0.00001; ExAC 0.00001; gnomAD 0.00001; gnomAD exomes 0.00001.
gnomAD v4.1: 11 of 1,499,530 alleles (0.00073%); highest among the groups gnomAD compares: Non-Finnish European, 0.00099%; no homozygotes.

Submissions (3):

ClinGen Myeloid Malignancy Variant Curation Expert Panel
Classification: Uncertain significance for Hereditary thrombocytopenia and hematologic cancer predisposition syndrome. Last evaluated: 2024-09-16. Review status: reviewed by expert panel. Criteria: ClinGen MyeloMalig ACMG Specifications v2. Collection method: curation. Allele origin: germline. Inheritance: Autosomal dominant inheritance.
Comment: NM_001754.4(RUNX1):c.623A>T (p.Gln208Leu) is a missense variant which has a REVEL score >0.75 (0.848) (PP3). In summary, the clinical significance of this variant is uncertain. ACMG/AMP criteria applied, as specified by the Myeloid Malignancy Variant Curation Expert Panel for RUNX1: PP3.

Ambry Genetics
Classification: Uncertain significance for Inborn genetic diseases. Last evaluated: 2025-12-11. Review status: criteria provided, single submitter. Criteria: Ambry Variant Classification Scheme 2023. Collection method: clinical testing. Allele origin: germline. Not counted in ClinVar's aggregate classification.
Comment: The p.Q208L variant (also known as c.623A>T), located in coding exon 6 of the RUNX1 gene, results from an A to T substitution at nucleotide position 623. The glutamine at codon 208 is replaced by leucine, an amino acid with dissimilar properties. This amino acid position is highly conserved in available vertebrate species. In addition, the in silico prediction for this alteration is inconclusive. Based on the available evidence, the clinical significance of this variant remains unclear.

Labcorp Genetics (formerly Invitae), Labcorp
Classification: Uncertain significance for Hereditary thrombocytopenia and hematological cancer predisposition syndrome associated with RUNX1. Last evaluated: 2024-04-15. Review status: criteria provided, single submitter. Criteria: Invitae Variant Classification Sherloc (09022015). Collection method: clinical testing. Allele origin: germline. Not counted in ClinVar's aggregate classification.
Comment: This sequence change replaces glutamine, which is neutral and polar, with leucine, which is neutral and non-polar, at codon 208 of the RUNX1 protein (p.Gln208Leu). This variant is present in population databases (rs777320434, gnomAD 0.002%). This variant has not been reported in the literature in individuals affected with RUNX1-related conditions. ClinVar contains an entry for this variant (Variation ID: 463999). Advanced modeling of protein sequence and biophysical properties (such as structural, functional, and spatial information, amino acid conservation, physicochemical variation, residue mobility, and thermodynamic stability) performed at Invitae indicates that this missense variant is not expected to disrupt RUNX1 protein function with a negative predictive value of 80%. In summary, the available evidence is currently insufficient to determine the role of this variant in disease. Therefore, it has been classified as a Variant of Uncertain Significance.